The following is an entry in ClinVar:

NM_000243.3(MEFV):c.657C>T (p.Gly219=)

Gene: MEFV (MEFV innate immunity regulator, pyrin; minus strand). Cytogenetic location: 16p13.3.
Variant type: single nucleotide variant.
Coding change: c.657C>T on transcript NM_000243.3 (MANE Select); coding-DNA position 657, C replaced by T.
Protein change: p.Gly219=; no amino-acid change (glycine 219 retained).
Molecular consequence: synonymous variant. On other transcripts: intron variant (1).
Genome position (GRCh38, 1-based): chr16:3,254,411, G>A on the plus strand (C>T on the coding strand, the complement: MEFV is on the minus strand). VCF-style: chr16-3254411-G-A. GRCh37 (hg19) VCF-style: chr16-3304411-G-A.
Other names: c.277+1900C>T (NM_001198536.2).
Identifiers: ClinVar variation 97534 (VCV000097534.24), dbSNP rs104895182, ClinGen allele CA280630.

ClinVar aggregate classification (germline): Conflicting classifications of pathogenicity. Review status: criteria provided, conflicting classifications (1 of 4 stars). 9 submissions from 9 submitters: Uncertain significance (1); Benign (1); Likely benign (4). 3 of the submissions do not count toward it. Last evaluated 2025-12-08.

Conditions:
Autoinflammatory syndrome. Identifiers: Orphanet 93665, MedGen C3890737, MONDO:0019751.
MEFV-related disorder. Also called: MEFV-related disorders; MEFV-related condition.
Inborn genetic diseases. Identifiers: MedGen C0950123, MeSH D030342.
Familial Mediterranean fever (FMF). Also called: POLYSEROSITIS, FAMILIAL PAROXYSMAL; POLYSEROSITIS, RECURRENT; Periodic peritonitis; Benign paroxysmal peritonitis. Identifiers: Orphanet 342, MedGen C0031069, MONDO:0018088, OMIM 249100. Disease mechanism: gain of function.

Allele frequency attached by ClinVar (database versions not stated): gnomAD 0.00006; TOPMed 0.00007; gnomAD exomes 0.00011.
gnomAD v4.1: 162 of 1,608,466 alleles (0.01%); highest among the groups gnomAD compares: Non-Finnish European, 0.013%; no homozygotes.

Submissions (9):

Labcorp Genetics (formerly Invitae), Labcorp
Classification: Likely benign for Familial Mediterranean fever. Last evaluated: 2025-12-08. Review status: criteria provided, single submitter. Criteria: Invitae Variant Classification Sherloc (09022015). Collection method: clinical testing. Allele origin: germline.

Ambry Genetics
Classification: Likely benign for Inborn genetic diseases. Last evaluated: 2023-03-29. Review status: criteria provided, single submitter. Criteria: Ambry Variant Classification Scheme 2023. Collection method: clinical testing. Allele origin: germline.

Blueprint Genetics
Classification: Likely benign. Last evaluated: 2023-03-01. Review status: criteria provided, single submitter. Criteria: ACMG Guidelines, 2015. Collection method: clinical testing. Allele origin: germline.

Women's Health and Genetics/Laboratory Corporation of America, LabCorp
Classification: Likely benign. Last evaluated: 2019-07-18. Review status: criteria provided, single submitter. Criteria: LabCorp Variant Classification Summary - May 2015. Collection method: clinical testing. Allele origin: germline.

Genome Diagnostics Laboratory, The Hospital for Sick Children
Classification: Uncertain significance for Autoinflammatory syndrome. Last evaluated: 2016-12-12. Review status: criteria provided, single submitter. Criteria: ACMG Guidelines, 2015. Collection method: clinical testing. Allele origin: germline. Affected: yes.

GeneDx
Classification: Benign. Last evaluated: 2015-03-03. Review status: criteria provided, single submitter. Criteria: GeneDx Variant Classification Process June 2021. Collection method: clinical testing. Allele origin: germline. Affected: yes.

PreventionGenetics, part of Exact Sciences
Classification: Likely benign for MEFV-related condition. Last evaluated: 2020-10-14. Review status: no assertion criteria provided. Collection method: clinical testing. Allele origin: germline. Not counted in ClinVar's aggregate classification.
Comment: This variant is classified as likely benign based on ACMG/AMP sequence variant interpretation guidelines (Richards et al. 2015 PMID: 25741868, with internal and published modifications).

Natera, Inc.
Classification: Likely benign for Familial Mediterranean fever. Last evaluated: 2020-09-16. Review status: no assertion criteria provided. Collection method: clinical testing. Allele origin: germline. Not counted in ClinVar's aggregate classification.

Unité médicale des maladies autoinflammatoires, CHRU Montpellier
No classification provided. Condition: Familial Mediterranean fever. Review status: no classification provided. Collection method: not provided. Allele origin: unknown. Not counted in ClinVar's aggregate classification.